The following is an entry in ClinVar:

NM_001145809.2(MYH14):c.5875C>T (p.Arg1959Trp)

Gene: MYH14 (myosin heavy chain 14; plus strand). Cytogenetic location: 19q13.33.
Variant type: single nucleotide variant.
Coding change: c.5875C>T on transcript NM_001145809.2 (MANE Select); coding-DNA position 5875, C replaced by T.
Protein change: p.Arg1959Trp; replaces arginine 1959 with tryptophan.
Molecular consequence: missense variant.
Genome position (GRCh38, 1-based): chr19:50,309,092, C>T. VCF-style: chr19-50309092-C-T. GRCh37 (hg19) VCF-style: chr19-50812349-C-T.
Other names: c.5776C>T, p.Arg1926Trp (NM_001077186.2); c.5752C>T, p.Arg1918Trp (NM_024729.4); short protein forms R1918W, R1926W, R1959W.
Identifiers: ClinVar variation 995696 (VCV000995696.10), dbSNP rs758424787, ClinGen allele CA9593921.
Genomic context (GRCh38, chr19:50,309,092, plus strand): 5'-CAGCTGAAGCGGCAGCTGGAGGAGGCCGAGGAGGAGGCATCCCGGGCTCAGGCCGGCCGC[C>T]GGAGGCTGCAGCGTGAGCTGGAAGATGTCACAGAGTCGGCCGAGTCCATGAACCGTGAAG-3'
Protein context (NP_001139281.1, residues 1949-1969): EEASRAQAGR[Arg1959Trp]RLQRELEDVT

ClinVar aggregate classification (germline): Uncertain significance. Review status: criteria provided, multiple submitters, no conflicts (2 of 4 stars). 3 submissions from 3 submitters: Uncertain significance (3). Last evaluated 2025-10-01.

Conditions:
Autosomal dominant nonsyndromic hearing loss 4A. Also called: Deafness, autosomal dominant 4A. Identifiers: Orphanet 90635, MedGen C1833503, MONDO:0010915, OMIM 600652.
Peripheral neuropathy-myopathy-hoarseness-hearing loss syndrome. Identifiers: Orphanet 397744, MedGen C3280556, MONDO:0013711, OMIM 614369.

Allele frequency attached by ClinVar (database versions not stated): gnomAD 0.00001; gnomAD exomes 0.00001; TOPMed 0.00001; ExAC 0.00002.
gnomAD v4.1: 40 of 1,613,764 alleles (0.0025%); highest among the groups gnomAD compares: Non-Finnish European, 0.0032%; no homozygotes.

Submissions (3):

Labcorp Genetics (formerly Invitae), Labcorp
Classification: Uncertain significance. Last evaluated: 2025-10-01. Review status: criteria provided, single submitter. Criteria: Invitae Variant Classification Sherloc (09022015). Collection method: clinical testing. Allele origin: germline.
Comment: This sequence change replaces arginine, which is basic and polar, with tryptophan, which is neutral and slightly polar, at codon 1918 of the MYH14 protein (p.Arg1918Trp). This variant is present in population databases (rs758424787, gnomAD 0.003%). This variant has not been reported in the literature in individuals affected with MYH14-related conditions. ClinVar contains an entry for this variant (Variation ID: 995696). Invitae Evidence Modeling of protein sequence and biophysical properties (such as structural, functional, and spatial information, amino acid conservation, physicochemical variation, residue mobility, and thermodynamic stability) indicates that this missense variant is expected to disrupt MYH14 protein function with a positive predictive value of 80%. In summary, the available evidence is currently insufficient to determine the role of this variant in disease. Therefore, it has been classified as a Variant of Uncertain Significance.

Fulgent Genetics
Classification: Uncertain significance for Autosomal dominant nonsyndromic hearing loss 4A; Peripheral neuropathy-myopathy-hoarseness-hearing loss syndrome. Last evaluated: 2021-07-26. Review status: criteria provided, single submitter. Criteria: ACMG Guidelines, 2015. Collection method: clinical testing. Allele origin: unknown.

ARUP Laboratories, Molecular Genetics and Genomics, ARUP Laboratories
Classification: Uncertain significance. Last evaluated: 2020-05-05. Review status: criteria provided, single submitter. Criteria: ARUP Molecular Germline Variant Investigation Process. Collection method: clinical testing. Allele origin: germline.